The following is an entry in ClinVar:

ClinVar aggregate classification (germline): Likely pathogenic (1 of 4 stars; one submission).

Conditions:
COL6A1-related disorder. Also called: COL6A1-related condition.

Submission:

PreventionGenetics, part of Exact Sciences
Classification: Likely pathogenic for COL6A1-related condition. Last evaluated: 2026-03-24. Review status: criteria provided, single submitter. Criteria: ACMG Guidelines, 2015. Collection method: clinical testing. Allele origin: germline.
Comment: The COL6A1 c.932G>T variant is predicted to result in the amino acid substitution p.Gly311Val. This variant disrupts the triple helix domain of COL6A1 and glycine residues within the Gly-Xaa-Yaa repeats of the triple helix domain are required for the structure and stability of fibrillar collagens (Long et al. 1993. PubMed ID: 8218237; Bella et al. 1994. PubMed ID: 7695699; Shoulders et al. 2009. PubMed ID: 19344236; triple helical domain = residues 257-592). In COL6A1, variants at these glycine residues are significantly enriched in individuals with autosomal dominant disease (Lampe et al. 2005. PubMed ID: 15689448; Butterfield et al. 2013. PubMed ID: 24038877). Alternate missense changes at the same amino acid position (p.Gly311Asp, p.Gly311Cys) have been reported in the heterozygous state in individuals affected with COL6A1-related disorders (Table S2, Foley et al. 2013. PubMed ID: 24271325; Sainio et al. 2021. PubMed ID: 34418069; Supp. Table e1, Natera-de Benito et al. 2021. PubMed ID: 33441455). To our knowledge, this variant has not been reported in the literature or in a large population database (gnomAD), indicating this variant is rare. This variant is interpreted as likely pathogenic for autosomal dominant COL6A1-related disorders.

NM_001848.3(COL6A1):c.932G>T (p.Gly311Val)

Gene: COL6A1 (collagen type VI alpha 1 chain; plus strand). Cytogenetic location: 21q22.3.
Variant type: single nucleotide variant.
Coding change: c.932G>T on transcript NM_001848.3 (MANE Select); coding-DNA position 932, G replaced by T.
Protein change: p.Gly311Val; replaces glycine 311 with valine.
Molecular consequence: missense variant.
Genome position (GRCh38, 1-based): chr21:45,990,259, G>T. VCF-style: chr21-45990259-G-T. GRCh37 (hg19) VCF-style: chr21-47410173-G-T.
Other names: short protein forms G311V.
Identifiers: ClinVar variation 4992795 (VCV004992795.1).